The following is an entry in ClinVar:

NM_003998.4(NFKB1):c.538C>T (p.Gln180Ter)

Gene: NFKB1 (nuclear factor kappa B subunit 1; plus strand). Cytogenetic location: 4q24.
Variant type: single nucleotide variant.
Coding change: c.538C>T on transcript NM_003998.4 (MANE Select); coding-DNA position 538, C replaced by T.
Protein change: p.Gln180Ter; replaces glutamine 180 with a stop codon.
Molecular consequence: nonsense.
Genome position (GRCh38, 1-based): chr4:102,577,006, C>T. VCF-style: chr4-102577006-C-T. GRCh37 (hg19) VCF-style: chr4-103498163-C-T.
Other names: c.535C>T, p.Gln179Ter (NM_001165412.2, NM_001319226.2, NM_001382627.1); c.538C>T, p.Gln180Ter (NM_001382625.1, NM_001382626.1); c.496C>T, p.Gln166Ter (NM_001382628.1); short protein forms Q180*, Q179*, Q166*.
Identifiers: ClinVar variation 2013795 (VCV002013795.4), dbSNP rs1724876868, ClinGen allele CA357959326.

ClinVar aggregate classification (germline): Pathogenic (1 of 4 stars; one submission).

Submission:

Labcorp Genetics (formerly Invitae), Labcorp
Classification: Pathogenic. Last evaluated: 2023-10-29. Review status: criteria provided, single submitter. Criteria: Invitae Variant Classification Sherloc (09022015). Collection method: clinical testing. Allele origin: germline.
Comment: This sequence change creates a premature translational stop signal (p.Gln180*) in the NFKB1 gene. It is expected to result in an absent or disrupted protein product. Loss-of-function variants in NFKB1 are known to be pathogenic (PMID: 26279205, 29477724). This variant is not present in population databases (gnomAD no frequency). This variant has not been reported in the literature in individuals affected with NFKB1-related conditions. ClinVar contains an entry for this variant (Variation ID: 2013795). Algorithms developed to predict the effect of sequence changes on RNA splicing suggest that this variant may disrupt the consensus splice site. For these reasons, this variant has been classified as Pathogenic.

Literature cited by the submitters: PubMed 26279205; PubMed 29477724.